The following is an entry in ClinVar:

NM_024422.6(DSC2):c.1169G>A (p.Arg390Lys)

Gene: DSC2 (desmocollin 2; minus strand). Cytogenetic location: 18q12.1.
Variant type: single nucleotide variant.
Coding change: c.1169G>A on transcript NM_024422.6 (MANE Select); coding-DNA position 1169, G replaced by A.
Protein change: p.Arg390Lys; replaces arginine 390 with lysine.
Molecular consequence: missense variant.
Genome position (GRCh38, 1-based): chr18:31,082,332, C>T on the plus strand (G>A on the coding strand, the complement: DSC2 is on the minus strand). VCF-style: chr18-31082332-C-T. GRCh37 (hg19) VCF-style: chr18-28662298-C-T.
Other names: c.740G>A, p.Arg247Lys (NM_001406506.1, NM_001406507.1); c.1169G>A, p.Arg390Lys (NM_004949.5); short protein forms R247K, R390K.
Identifiers: ClinVar variation 4756996 (VCV004756996.1).

ClinVar aggregate classification (germline): Uncertain significance (1 of 4 stars; one submission).

Conditions:
Cardiomyopathy (CMYO). Also called: Cardiomyopathies. Identifiers: Orphanet 167848, MedGen C0878544, MONDO:0004994, HP:0001638. Inheritance: Various modes of inheritance.

Submission:

Color Diagnostics, LLC DBA Color Health
Classification: Uncertain significance for Cardiomyopathy. Last evaluated: 2025-06-29. Review status: criteria provided, single submitter. Criteria: ACMG Guidelines, 2015. Collection method: clinical testing. Allele origin: germline.
Comment: This missense variant replaces arginine with lysine at codon 390 of the DSC2 protein. Computational prediction suggests that this variant may not impact protein structure and function. To our knowledge, functional studies have not been reported for this variant. This variant has not been reported in individuals affected with DSC2-related disorders in the literature. This variant has not been identified in the general population by the Genome Aggregation Database (gnomAD). The available evidence is insufficient to determine the role of this variant in disease conclusively. Therefore, this variant is classified as a Variant of Uncertain Significance.